The following is an entry in ClinVar:

ClinVar aggregate classification (germline): Uncertain significance (1 of 4 stars; one submission).

Conditions:
3-methylglutaconic aciduria with deafness, encephalopathy, and Leigh-like syndrome (MEGDEL). Also called: SERAC1 Deficiency; 3-METHYLGLUTACONIC ACIDURIA, TYPE VI; MEGDEL syndrome. Identifiers: Orphanet 352328, MedGen C4040739, MONDO:0013875, OMIM 614739.

Allele frequency attached by ClinVar (database versions not stated): TOPMed below 0.00001; gnomAD 0.00001.
gnomAD v4.1: 1 of 1,613,978 alleles (0.000062%); highest among the groups gnomAD compares: African/African-American, 0.0013%; no homozygotes.

Submission:

Baylor Genetics
Classification: Uncertain significance for 3-methylglutaconic aciduria with deafness, encephalopathy, and Leigh-like syndrome. Last evaluated: 2018-10-24. Review status: criteria provided, single submitter. Criteria: ACMG Guidelines, 2015. Collection method: clinical testing. Allele origin: maternal. Affected: yes.
Comment: This variant was determined to be of uncertain significance according to ACMG Guidelines, 2015 [PMID:25741868].

NM_032861.4(SERAC1):c.935C>T (p.Pro312Leu)

Gene: SERAC1 (serine active site containing 1; minus strand). Cytogenetic location: 6q25.3.
Variant type: single nucleotide variant.
Coding change: c.935C>T on transcript NM_032861.4 (MANE Select); coding-DNA position 935, C replaced by T.
Protein change: p.Pro312Leu; replaces proline 312 with leucine.
Molecular consequence: missense variant. On other transcripts: non-coding transcript variant (1).
Genome position (GRCh38, 1-based): chr6:158,128,188, G>A on the plus strand (C>T on the coding strand, the complement: SERAC1 is on the minus strand). VCF-style: chr6-158128188-G-A. GRCh37 (hg19) VCF-style: chr6-158549220-G-A.
Other names: short protein forms P312L.
Identifiers: ClinVar variation 1031525 (VCV001031525.1), dbSNP rs1455975616, ClinGen allele CA366259951.
Genomic context (GRCh38, chr6:158,128,188, plus strand): 5'-TGAAGATGTTCATTCAAAGCCATATTTCCAATGACACGCATTATATTTCTCTGTACTTTA[G>A]GGCAGTCCTTGTGAAGTCGGTACAGCCTCTGAAGTAGCTGCAGGCCTCCATTTGCTTCGA-3'
Protein context (NP_116250.3, residues 302-322): QRLYRLHKDC[Pro312Leu]KVQRNIMRVI